The following is an entry in ClinVar:

ClinVar aggregate classification (germline): Uncertain significance. Review status: criteria provided, multiple submitters, no conflicts (2 of 4 stars). 2 submissions from 2 submitters: Uncertain significance (2). Last evaluated 2026-03-16.

Conditions:
Hereditary cancer-predisposing syndrome. Also called: Neoplastic Syndromes, Hereditary; Tumor predisposition; Hereditary Cancer Syndrome; Hereditary neoplastic syndrome. Identifiers: Orphanet 140162, MedGen C0027672, MeSH D009386, MONDO:0015356.

Submissions (2):

Catlab - Consorci Sanitari de Terrassa
Classification: Uncertain significance for Hereditary cancer-predisposing syndrome. Last evaluated: 2026-03-16. Review status: criteria provided, single submitter. Criteria: ClinGen CRC ACMG Specifications MSH6 V1.0.0. Collection method: clinical testing. Allele origin: germline.
Comment: Based on the currently available information, this variant is classified as Uncertain Significance according to ClinGen-MSH6 v1.0.0 guidelines. ACMG criteria: PM2_supp.

Ambry Genetics
Classification: Uncertain significance for Hereditary cancer-predisposing syndrome. Last evaluated: 2022-01-27. Review status: criteria provided, single submitter. Criteria: Ambry Variant Classification Scheme 2023. Collection method: clinical testing. Allele origin: germline.
Comment: The p.V96A variant (also known as c.287T>C), located in coding exon 2 of the MSH6 gene, results from a T to C substitution at nucleotide position 287. The valine at codon 96 is replaced by alanine, an amino acid with similar properties. This amino acid position is conserved. In addition, the in silico prediction for this alteration is inconclusive. Since supporting evidence is limited at this time, the clinical significance of this alteration remains unclear.

NM_000179.3(MSH6):c.287T>C (p.Val96Ala)

Gene: MSH6 (mutS homolog 6; plus strand). Cytogenetic location: 2p16.3.
Variant type: single nucleotide variant.
Coding change: c.287T>C on transcript NM_000179.3 (MANE Select); coding-DNA position 287, T replaced by C.
Protein change: p.Val96Ala; replaces valine 96 with alanine.
Molecular consequence: missense variant. On other transcripts: 5 prime UTR variant (2), intron variant (1).
Genome position (GRCh38, 1-based): chr2:47,790,953, T>C. VCF-style: chr2-47790953-T-C. GRCh37 (hg19) VCF-style: chr2-48018092-T-C.
Other names: c.-450T>C (NM_001281493.2, NM_001406811.1, NM_001406823.1 and 1 more transcripts); c.-616T>C (NM_001281494.2); c.383T>C, p.Val128Ala (NM_001406795.1, NM_001406802.1); c.287T>C, p.Val96Ala (NM_001406796.1, NM_001406798.1, NM_001406800.1 and 6 more transcripts); c.-11T>C (NM_001406797.1, NM_001406801.1, NM_001406805.1 and 10 more transcripts); c.209T>C, p.Val70Ala (NM_001406804.1); c.-642T>C (NM_001406807.1); c.-297T>C (NM_001406812.1); and 3 more; short protein forms V96A, V128A, V70A, V40A.
Identifiers: ClinVar variation 1797161 (VCV001797161.3), dbSNP rs2104099847, ClinGen allele CA346736618.